The following is an entry in ClinVar:

NM_058246.4(DNAJB6):c.*776C>T

Gene: DNAJB6 (DnaJ heat shock protein family (Hsp40) member B6; plus strand). Cytogenetic location: 7q36.3.
Variant type: single nucleotide variant.
Coding change: c.*776C>T on transcript NM_058246.4 (MANE Select); 776 bases downstream of the stop codon, C replaced by T.
Molecular consequence: 3 prime UTR variant.
Genome position (GRCh38, 1-based): chr7:157,416,874, C>T. VCF-style: chr7-157416874-C-T. GRCh37 (hg19) VCF-style: chr7-157209568-C-T.
Other names: c.*776C>T (NM_001363676.1).
Identifiers: ClinVar variation 359475 (VCV000359475.6), dbSNP rs115297289, ClinGen allele CA10628678.

ClinVar aggregate classification (germline): Benign (1 of 4 stars; one submission).

Conditions:
Autosomal dominant limb-girdle muscular dystrophy type 1D (DNAJB6) (LGMDD1). Also called: MUSCULAR DYSTROPHY, LIMB-GIRDLE, TYPE 1D; MUSCULAR DYSTROPHY, AUTOSOMAL DOMINANT, WITH RIMMED VACUOLES; Autosomal dominant limb-girdle muscular dystrophy type 1D; Muscular dystrophy, limb-girdle, autosomal dominant 1. Identifiers: Orphanet 34516, MedGen C4721885, MONDO:0021018, OMIM 603511.

Allele frequency attached by ClinVar (database versions not stated): 1000 Genomes Project 0.00479; 1000 Genomes Project 30x 0.00547; gnomAD 0.00634 and 0.00683; TOPMed 0.00706.

Submission:

Illumina Laboratory Services, Illumina
Classification: Benign for Autosomal dominant limb-girdle muscular dystrophy type 1D (DNAJB6). Last evaluated: 2018-01-12. Review status: criteria provided, single submitter. Criteria: ICSL Variant Classification Criteria 13 December 2019. Collection method: clinical testing. Allele origin: germline.
Comment: This variant was observed in the ICSL laboratory as part of a predisposition screen in an ostensibly healthy population. It had not been previously curated by ICSL or reported in the Human Gene Mutation Database (HGMD: prior to June 1st, 2018), and was therefore a candidate for classification through an automated scoring system. Utilizing variant allele frequency, disease prevalence and penetrance estimates, and inheritance mode, an automated score was calculated to assess if this variant is too frequent to cause the disease. Based on the score and internal cut-off values, a variant classified as benign is not then subjected to further curation. The score for this variant resulted in a classification of benign for this disease.